The following is an entry in ClinVar:

ClinVar aggregate classification (germline): Uncertain significance (1 of 4 stars; one submission).

gnomAD v4.1: 1 of 1,614,110 alleles (0.000062%); highest among the groups gnomAD compares: South Asian, 0.0011%; no homozygotes.

Submission:

Ambry Genetics
Classification: Uncertain significance. Last evaluated: 2026-06-30. Review status: criteria provided, single submitter. Criteria: Ambry Variant Classification Scheme 2023. Collection method: clinical testing. Allele origin: germline.
Comment: The p.A1072T variant (also known as c.3214G>A), located in coding exon 1 of the TET2 gene, results from a G to A substitution at nucleotide position 3214. The alanine at codon 1072 is replaced by threonine, an amino acid with similar properties. This amino acid position is conserved. In addition, this alteration is predicted to be tolerated by in silico analysis. Based on the available evidence, the clinical significance of this variant remains unclear.

NM_001127208.3(TET2):c.3214G>A (p.Ala1072Thr)

Genes: TET2 (tet methylcytosine dioxygenase 2; plus strand), TET2-AS1 (TET2 antisense RNA 1; minus strand). Cytogenetic location: 4q24.
Variant type: single nucleotide variant.
Coding change: c.3214G>A on transcript NM_001127208.3 (MANE Select); coding-DNA position 3214, G replaced by A.
Protein change: p.Ala1072Thr; replaces alanine 1072 with threonine.
Molecular consequence: missense variant.
Genome position (GRCh38, 1-based): chr4:105,237,156, G>A. VCF-style: chr4-105237156-G-A. GRCh37 (hg19) VCF-style: chr4-106158313-G-A.
Other names: c.3214G>A, p.Ala1072Thr (NM_017628.4); short protein forms A1072T.
Identifiers: ClinVar variation 3806128 (VCV003806128.2).